The following is an entry in ClinVar:

ClinVar aggregate classification (germline): Uncertain significance. Review status: criteria provided, multiple submitters, no conflicts (2 of 4 stars). 2 submissions from 2 submitters: Uncertain significance (2). Last evaluated 2025-08-17.

Conditions:
Multiple endocrine neoplasia, type 2 (MEN2). Identifiers: Orphanet 653, MedGen C4048306, MONDO:0019003. Disease mechanism: gain of function.

Allele frequency attached by ClinVar (database versions not stated): TOPMed below 0.00001.
gnomAD v4.1: 1 of 1,614,172 alleles (0.000062%); highest among the groups gnomAD compares: South Asian, 0.0011%; no homozygotes.

Submissions (2):

Color Diagnostics, LLC DBA Color Health
Classification: Uncertain significance for Multiple endocrine neoplasia, type 2. Last evaluated: 2025-08-17. Review status: criteria provided, single submitter. Criteria: ACMG Guidelines, 2015. Collection method: clinical testing. Allele origin: germline.
Comment: This missense variant replaces valine with methionine at codon 454 of the RET protein. Computational prediction suggests that this variant may not impact protein structure and function. To our knowledge, functional studies have not been reported for this variant. This variant has not been reported in individuals affected with RET-related disorders in the literature. This variant has not been identified in the general population by the Genome Aggregation Database (gnomAD). The available evidence is insufficient to determine the role of this variant in disease conclusively. Therefore, this variant is classified as a Variant of Uncertain Significance.

All of Us Research Program, National Institutes of Health
Classification: Uncertain significance for Multiple endocrine neoplasia, type 2. Last evaluated: 2023-08-28. Review status: criteria provided, single submitter. Criteria: ACMG Guidelines, 2015. Collection method: clinical testing. Allele origin: germline. Inheritance: Autosomal dominant inheritance. Observed: 2 variant alleles, 2 heterozygotes.
Comment: This missense variant replaces valine with methionine at codon 454 of the RET protein. Computational prediction suggests that this variant may not impact protein structure and function (internally defined REVEL score threshold <= 0.5, PMID: 27666373). To our knowledge, functional studies have not been reported for this variant. This variant has not been reported in individuals affected with RET-related disorders in the literature. This variant has not been identified in the general population by the Genome Aggregation Database (gnomAD). The available evidence is insufficient to determine the role of this variant in disease conclusively. Therefore, this variant is classified as a Variant of Uncertain Significance.

This study involves interpretation of variants in research participants for the purpose of population health screening. Participant phenotype was not available at the time of variant classification. Additional details can be found in publication PMID: 35346344, PMCID: PMC8962531

NM_020975.6(RET):c.1360G>A (p.Val454Met)

Gene: RET (ret proto-oncogene; plus strand). Cytogenetic location: 10q11.21.
Variant type: single nucleotide variant.
Coding change: c.1360G>A on transcript NM_020975.6 (MANE Select); coding-DNA position 1360, G replaced by A.
Protein change: p.Val454Met; replaces valine 454 with methionine.
Molecular consequence: missense variant. On other transcripts: intron variant (15).
Genome position (GRCh38, 1-based): chr10:43,111,303, G>A. VCF-style: chr10-43111303-G-A. GRCh37 (hg19) VCF-style: chr10-43606751-G-A.
Other names: c.1360G>A, p.Val454Met (NM_000323.2, NM_001406743.1, NM_001406744.1 and 6 more transcripts); c.598G>A, p.Val200Met (NM_001355216.2); c.1231G>A, p.Val411Met (NM_001406761.1, NM_001406762.1, NM_001406764.1 and 1 more transcripts); c.1072G>A, p.Val358Met (NM_001406766.1, NM_001406767.1, NM_001406770.1); c.964G>A, p.Val322Met (NM_001406769.1, NM_001406772.1); c.922G>A, p.Val308Met (NM_001406771.1, NM_001406773.1); c.835G>A, p.Val279Met (NM_001406774.1); c.634G>A, p.Val212Met (NM_001406775.1, NM_001406776.1, NM_001406777.1 and 1 more transcripts); and 5 more; short protein forms V124M, V200M, V212M, V279M, V308M, V322M, V358M, V411M.
Identifiers: ClinVar variation 3070310 (VCV003070310.2), dbSNP rs1837917806, ClinGen allele CA376549203.